The following is an entry in ClinVar:

ClinVar aggregate classification (germline): Uncertain significance (1 of 4 stars; one submission).

Conditions:
Pheochromocytoma/paraganglioma syndrome 5. Also called: Paragangliomas 5; SDHA-Related Hereditary Paraganglioma-Pheochromocytoma Syndrome. Identifiers: Orphanet 29072, MedGen C3279992, MONDO:0013602, OMIM 614165.
Mitochondrial complex II deficiency, nuclear type 1. Also called: SUCCINATE CoQ REDUCTASE DEFICIENCY. Identifiers: Orphanet 3208, MedGen C5700310, MONDO:0100294, OMIM 252011.

gnomAD v4.1: 1 of 1,612,872 alleles (0.000062%); no homozygotes.

Submission:

Labcorp Genetics (formerly Invitae), Labcorp
Classification: Uncertain significance for Pheochromocytoma/paraganglioma syndrome 5; Mitochondrial complex II deficiency, nuclear type 1. Last evaluated: 2022-03-26. Review status: criteria provided, single submitter. Criteria: Invitae Variant Classification Sherloc (09022015). Collection method: clinical testing. Allele origin: germline.
Comment: In summary, the available evidence is currently insufficient to determine the role of this variant in disease. Therefore, it has been classified as a Variant of Uncertain Significance. Advanced modeling of protein sequence and biophysical properties (such as structural, functional, and spatial information, amino acid conservation, physicochemical variation, residue mobility, and thermodynamic stability) performed at Invitae indicates that this missense variant is not expected to disrupt SDHA protein function. This variant has not been reported in the literature in individuals affected with SDHA-related conditions. This variant is present in population databases (no rsID available, gnomAD 0.003%). This sequence change replaces threonine, which is neutral and polar, with alanine, which is neutral and non-polar, at codon 96 of the SDHA protein (p.Thr96Ala).

NM_004168.4(SDHA):c.286A>G (p.Thr96Ala)

Gene: SDHA (succinate dehydrogenase complex flavoprotein subunit A; plus strand). Cytogenetic location: 5p15.33.
Variant type: single nucleotide variant.
Coding change: c.286A>G on transcript NM_004168.4 (MANE Select); coding-DNA position 286, A replaced by G.
Protein change: p.Thr96Ala; replaces threonine 96 with alanine.
Molecular consequence: missense variant.
Genome position (GRCh38, 1-based): chr5:224,495, A>G. VCF-style: chr5-224495-A-G. GRCh37 (hg19) VCF-style: chr5-224610-A-G.
Other names: c.286A>G, p.Thr96Ala (NM_001294332.2, NM_001330758.2); short protein forms T96A.
Identifiers: ClinVar variation 2052182 (VCV002052182.4), dbSNP rs1412534704, ClinGen allele CA359008646.